The following is an entry in ClinVar:

ClinVar aggregate classification (germline): not provided (0 of 4 stars; one submission).

Conditions:
Hyperimmunoglobulin D with periodic fever (HIDS). Also called: HYPERIMMUNOGLOBULINEMIA D AND PERIODIC FEVER SYNDROME; Hyperimmunoglobulinemia D; Hyperimmunoglobulinemia D with periodic fever. Identifiers: Orphanet 343, MedGen C0398691, MONDO:0009849, OMIM 260920.

Submission:

Unité médicale des maladies autoinflammatoires, CHRU Montpellier
No classification provided. Condition: Hyperimmunoglobulin D with periodic fever. Review status: no classification provided. Collection method: not provided. Allele origin: unknown.
Comment: also involved in OMIM 25117

NM_000431.4(MVK):c.632G>C (p.Gly211Ala)

Gene: MVK (mevalonate kinase; plus strand). Cytogenetic location: 12q24.11.
Variant type: single nucleotide variant.
Coding change: c.632G>C on transcript NM_000431.4 (MANE Select); coding-DNA position 632, G replaced by C.
Protein change: p.Gly211Ala; replaces glycine 211 with alanine.
Molecular consequence: missense variant.
Genome position (GRCh38, 1-based): chr12:109,586,754, G>C. VCF-style: chr12-109586754-G-C. GRCh37 (hg19) VCF-style: chr12-110024559-G-C.
Other names: c.632G>C, p.Gly211Ala (NM_001114185.3); c.476G>C, p.Gly159Ala (NM_001301182.2); short protein forms G211A, G159A.
Identifiers: ClinVar variation 97607 (VCV000097607.1), dbSNP rs104895325, ClinGen allele CA149867.
Genomic context (GRCh38, chr12:109,586,754, plus strand): 5'-CAAGTAGCACAGATATGTTAGCTTTTCCCACAGCTCTGACCCACTGGTTTTTCTCTTTAG[G>C]AGGAGCCCTCCGATACCATCAAGGGAAGATTTCATCCTTAAAGAGGTAACCTGGGGGTGG-3'
Protein context (NP_000422.1, residues 201-221): SGVDNAVSTW[Gly211Ala]GALRYHQGKI